The following is an entry in ClinVar:

NM_001195248.2(APTX):c.742T>A (p.Leu248Met)

Gene: APTX (aprataxin; minus strand). Cytogenetic location: 9p21.1.
Variant type: single nucleotide variant.
Coding change: c.742T>A on transcript NM_001195248.2 (MANE Select); coding-DNA position 742, T replaced by A.
Protein change: p.Leu248Met; replaces leucine 248 with methionine.
Molecular consequence: missense variant. On other transcripts: non-coding transcript variant (9).
Genome position (GRCh38, 1-based): chr9:32,984,659, A>T on the plus strand (T>A on the coding strand, the complement: APTX is on the minus strand). VCF-style: chr9-32984659-A-T. GRCh37 (hg19) VCF-style: chr9-32984657-A-T.
Other names: c.742T>A, p.Leu248Met (NM_001195249.2, NM_001195251.2, NM_001368995.1 and 6 more transcripts); c.580T>A, p.Leu194Met (NM_001195250.2, NM_001195254.2, NM_001369000.1 and 1 more transcripts); c.526T>A, p.Leu176Met (NM_001195252.2); c.478T>A, p.Leu160Met (NM_001369002.1, NM_001369003.1, NM_001369004.1 and 5 more transcripts); short protein forms L248M, L160M, L176M, L194M.
Identifiers: ClinVar variation 214122 (VCV000214122.71), dbSNP rs141195622, ClinGen allele CA321194.

ClinVar aggregate classification (germline): Conflicting classifications of pathogenicity. Review status: criteria provided, conflicting classifications (1 of 4 stars). 13 submissions from 13 submitters: Uncertain significance (6); Benign (2); Likely benign (5). Last evaluated 2026-07-29.

Conditions:
APTX-related disorder. Also called: APTX-related condition.
Ataxia, early-onset, with oculomotor apraxia and hypoalbuminemia (EAOH). Also called: Ataxia-oculomotor apraxia type 1; ATAXIA-OCULOMOTOR APRAXIA SYNDROME; ATAXIA-TELANGIECTASIA-LIKE SYNDROME. Identifiers: Orphanet 1168, MedGen C1859598, MONDO:0008842, OMIM 208920.
Inborn genetic diseases. Identifiers: MedGen C0950123, MeSH D030342.

Allele frequency attached by ClinVar (database versions not stated): 1000 Genomes Project 30x 0.00078; 1000 Genomes Project 0.00100; ExAC 0.00138; ESP Exome Variant Server 0.00161; TOPMed 0.00172; gnomAD 0.00178 and 0.00183.
gnomAD v4.1: 2,864 of 1,614,180 alleles (0.18%); highest among the groups gnomAD compares: Admixed American, 0.23%; 6 homozygotes.

Submissions (13):

GeneDx
Classification: Uncertain significance. Last evaluated: 2026-07-29. Review status: criteria provided, single submitter. Criteria: GeneDx Variant Classification Process June 2021. Collection method: clinical testing. Allele origin: germline.
Comment: Observed in individuals with ataxia in published literature; however, a second APTX variant was not detected and L248M was identified in unaffected family members (PMID: 21465257); Published functional studies indicate that although this variant has a stabilizing effect it impairs active site assembly (PMID: 29934293); In silico analysis suggests that this missense variant does not alter protein structure/function; This variant is associated with the following publications: (PMID: 25637650, 26285866, 28881617, 29934293, 21465257, 38192426)

CeGaT Center for Human Genetics Tuebingen
Classification: Likely benign. Last evaluated: 2026-06-01. Review status: criteria provided, single submitter. Criteria: CeGaT Center For Human Genetics Tuebingen Variant Classification Criteria Version 2. Collection method: clinical testing. Allele origin: germline. Affected: yes. Observed: 4 variant alleles.
Comment: APTX: BS2

PreventionGenetics, part of Exact Sciences
Classification: Likely benign for APTX-related condition. Last evaluated: 2026-01-07. Review status: criteria provided, single submitter. Criteria: ACMG Guidelines, 2015. Collection method: clinical testing. Allele origin: germline.
Comment: This variant is classified as likely benign based on ACMG/AMP sequence variant interpretation guidelines (Richards et al. 2015 PMID: 25741868, with internal and published modifications).

Labcorp Genetics (formerly Invitae), Labcorp
Classification: Likely benign. Last evaluated: 2025-12-24. Review status: criteria provided, single submitter. Criteria: Invitae Variant Classification Sherloc (09022015). Collection method: clinical testing. Allele origin: germline.

Blueprint Genetics
Classification: Likely benign. Last evaluated: 2024-11-26. Review status: criteria provided, single submitter. Criteria: ACMG Guidelines, 2015. Collection method: clinical testing. Allele origin: germline.

Athena Diagnostics
Classification: Benign. Last evaluated: 2024-07-31. Review status: criteria provided, single submitter. Criteria: Athena Diagnostics Criteria. Collection method: clinical testing. Allele origin: unknown.

Mayo Clinic Laboratories, Mayo Clinic
Classification: Benign. Last evaluated: 2023-12-15. Review status: criteria provided, single submitter. Criteria: ACMG Guidelines, 2015. Collection method: clinical testing. Allele origin: germline. Observed: 10 variant alleles.
Comment: BS2, BS3

ARUP Laboratories, Molecular Genetics and Genomics, ARUP Laboratories
Classification: Uncertain significance for Ataxia, early-onset, with oculomotor apraxia and hypoalbuminemia. Last evaluated: 2023-09-04. Review status: criteria provided, single submitter. Criteria: ARUP Molecular Germline Variant Investigation Process 2024. Collection method: clinical testing. Allele origin: germline.
Comment: The APTX c.742T>A; p.Leu248Met variant (rs141195622), is reported in the literature in at least one individual affected with ataxia with oculomotor apraxia type 1 (van Minkelen 2015). This variant is reported in ClinVar (Variation ID: 214122), and is found in the general population with an overall allele frequency of 0.13% (373/277,044 alleles) in the Genome Aggregation Database. The leucine at codon 248 is moderately conserved, and computational analyses (SIFT: tolerated, PolyPhen-2: possibly damaging) predict conflicting effects of this variant on protein structure/function. Due to limited information, the clinical significance of the p.Leu248Met variant is uncertain at this time. Pathogenic variants in the APTX gene are inherited in an autosomal recessive manner and are associated with early-onset ataxia with oculomotor apraxia and hypoalbuminemia (MIM: 208920). References: van Minkelen R et al. Complete APTX deletion in a patient with ataxia with oculomotor apraxia type 1. BMC Med Genet. 2015 Aug 19;16:61.

Department of Pathology and Laboratory Medicine, Sinai Health System
Classification: Uncertain significance for ataxia, early-onset, with oculomotor apraxia and hypoalbuminemia. Last evaluated: 2022-03-21. Review status: criteria provided, single submitter. Criteria: ACMG Guidelines, 2015. Collection method: research. Allele origin: germline.

Ambry Genetics
Classification: Likely benign for Inborn genetic diseases. Last evaluated: 2021-10-17. Review status: criteria provided, single submitter. Criteria: Ambry Variant Classification Scheme 2023. Collection method: clinical testing. Allele origin: germline.

Baylor Genetics
Classification: Uncertain significance for Ataxia, early-onset, with oculomotor apraxia and hypoalbuminemia. Last evaluated: 2018-07-20. Review status: criteria provided, single submitter. Criteria: ACMG Guidelines, 2015. Collection method: clinical testing. Allele origin: paternal. Affected: yes.
Comment: This variant was determined to be of uncertain significance according to ACMG Guidelines, 2015 [PMID:25741868]. These variants have been previously reported but pathogenicity of these changes is unclear [PMID 26285866]

Illumina Laboratory Services, Illumina
Classification: Uncertain significance for Ataxia, early-onset, with oculomotor apraxia and hypoalbuminemia. Last evaluated: 2017-05-16. Review status: criteria provided, single submitter. Criteria: ICSL Variant Classification Criteria 13 December 2019. Collection method: clinical testing. Allele origin: germline.
Comment: This variant was observed as part of a predisposition screen in an ostensibly healthy population. A literature search was performed for the gene, cDNA change, and amino acid change (where applicable). Publications were found based on this search. However, the evidence from the literature, in combination with allele frequency data from public databases where available, was not sufficient to rule this variant in or out of causing disease. Therefore, this variant is classified as a variant of unknown significance.

Eurofins Ntd Llc (ga)
Classification: Uncertain significance. Last evaluated: 2015-08-13. Review status: criteria provided, single submitter. Criteria: EGL Classification Definitions 2015. Collection method: clinical testing. Allele origin: germline. Observed: 2 variant alleles, 2 heterozygotes.

Literature cited by the submitters: PubMed 28881617 (cited by Athena Diagnostics); PubMed 29934293 (cited by Athena Diagnostics); PubMed 38192426 (cited by Athena Diagnostics); PubMed 21465257 (cited by Athena Diagnostics and Illumina Laboratory Services, Illumina); PubMed 26285866 (cited by 3 submitters); PubMed 25637650 (cited by Illumina Laboratory Services, Illumina).